The following is an entry in ClinVar:

NM_001388303.1(HECTD4):c.5749A>T (p.Thr1917Ser)

Gene: HECTD4 (HECT domain E3 ubiquitin protein ligase 4; minus strand). Cytogenetic location: 12q24.13.
Variant type: single nucleotide variant.
Coding change: c.5749A>T on transcript NM_001388303.1 (MANE Select); coding-DNA position 5749, A replaced by T.
Protein change: p.Thr1917Ser; replaces threonine 1917 with serine.
Molecular consequence: missense variant.
Genome position (GRCh38, 1-based): chr12:112,235,243, T>A on the plus strand (A>T on the coding strand, the complement: HECTD4 is on the minus strand). VCF-style: chr12-112235243-T-A. GRCh37 (hg19) VCF-style: chr12-112673047-T-A.
Other names: c.5779A>T, p.Thr1927Ser (NM_001109662.4); short protein forms T1917S, T1927S.
Identifiers: ClinVar variation 3038357 (VCV003038357.2), dbSNP rs111790702, ClinGen allele CA6797194.

ClinVar aggregate classification (germline): Likely benign (0 of 4 stars; one submission).

Conditions:
HECTD4-related disorder. Also called: HECTD4-related condition.

Allele frequency attached by ClinVar (database versions not stated): 1000 Genomes Project 0.00140; 1000 Genomes Project 30x 0.00203; ExAC 0.00263; gnomAD 0.00279; ESP Exome Variant Server 0.00408.
gnomAD v4.1: 7,994 of 1,613,802 alleles (0.5%); highest among the groups gnomAD compares: Non-Finnish European, 0.63%; 29 homozygotes.

Submission:

PreventionGenetics, part of Exact Sciences
Classification: Likely benign for HECTD4-related condition. Last evaluated: 2022-06-16. Review status: no assertion criteria provided. Collection method: clinical testing. Allele origin: germline.
Comment: This variant is classified as likely benign based on ACMG/AMP sequence variant interpretation guidelines (Richards et al. 2015 PMID: 25741868, with internal and published modifications).